The following is an entry in ClinVar:

NM_005566.4(LDHA):c.460C>T (p.Pro154Ser)

Gene: LDHA (lactate dehydrogenase A; plus strand). Cytogenetic location: 11p15.1.
Variant type: single nucleotide variant.
Coding change: c.460C>T on transcript NM_005566.4 (MANE Select); coding-DNA position 460, C replaced by T.
Protein change: p.Pro154Ser; replaces proline 154 with serine.
Molecular consequence: missense variant. On other transcripts: non-coding transcript variant (1).
Genome position (GRCh38, 1-based): chr11:18,402,881, C>T. VCF-style: chr11-18402881-C-T. GRCh37 (hg19) VCF-style: chr11-18424428-C-T.
Other names: c.460C>T, p.Pro154Ser (NM_001165416.2, NM_001165415.2); c.286C>T, p.Pro96Ser (NM_001135239.2); c.547C>T, p.Pro183Ser (NM_001165414.2); short protein forms P96S, P154S, P183S.
Identifiers: ClinVar variation 1978568 (VCV001978568.4), dbSNP rs2134028222, ClinGen allele CA379504891.

ClinVar aggregate classification (germline): Uncertain significance (1 of 4 stars; one submission).

Conditions:
Glycogen storage disease due to lactate dehydrogenase M-subunit deficiency (GSD11). Also called: Glycogen storage disease XI; GSD XI; LACTATE DEHYDROGENASE A DEFICIENCY. Identifiers: Orphanet 284426, MedGen C2931743, MONDO:0013047, OMIM 612933.

Submission:

Labcorp Genetics (formerly Invitae), Labcorp
Classification: Uncertain significance for Glycogen storage disease due to lactate dehydrogenase M-subunit deficiency. Last evaluated: 2022-05-24. Review status: criteria provided, single submitter. Criteria: Invitae Variant Classification Sherloc (09022015). Collection method: clinical testing. Allele origin: germline.
Comment: This sequence change replaces proline, which is neutral and non-polar, with serine, which is neutral and polar, at codon 154 of the LDHA protein (p.Pro154Ser). In summary, the available evidence is currently insufficient to determine the role of this variant in disease. Therefore, it has been classified as a Variant of Uncertain Significance. Algorithms developed to predict the effect of missense changes on protein structure and function are either unavailable or do not agree on the potential impact of this missense change (SIFT: "Tolerated"; PolyPhen-2: "Possibly Damaging"; Align-GVGD: "Class C0"). This variant has not been reported in the literature in individuals affected with LDHA-related conditions. This variant is not present in population databases (gnomAD no frequency).